The following is an entry in ClinVar:

NM_000204.5(CFI):c.160T>C (p.Cys54Arg)

Gene: CFI (complement factor I; minus strand). Cytogenetic location: 4q25.
Variant type: single nucleotide variant.
Coding change: c.160T>C on transcript NM_000204.5 (MANE Select); coding-DNA position 160, T replaced by C.
Protein change: p.Cys54Arg; replaces cysteine 54 with arginine.
Molecular consequence: missense variant. On other transcripts: non-coding transcript variant (3), intron variant (1).
Genome position (GRCh38, 1-based): chr4:109,766,722, A>G on the plus strand (T>C on the coding strand, the complement: CFI is on the minus strand). VCF-style: chr4-109766722-A-G. GRCh37 (hg19) VCF-style: chr4-110687878-A-G.
Other names: c.160T>C, p.Cys54Arg (NM_001318057.2, NM_001331035.2, NM_001375278.1 and 10 more transcripts); c.-127-5030T>C (NM_001375284.1); short protein forms C54R.
Identifiers: ClinVar variation 4280442 (VCV004280442.1).

ClinVar aggregate classification (germline): Likely pathogenic, low penetrance (1 of 4 stars; one submission).

Conditions:
CFI-related disorder. Also called: CFI-related condition; CFI-related disorders. Identifiers: MedGen CN239325.

Submission:

Genomenon, Inc
Classification: Likely pathogenic, low penetrance for CFI-related disorder. Last evaluated: 2025-09-26. Review status: criteria provided, single submitter. Criteria: Genomenon Sequence Variant Interpretation Standards - Updated. Collection method: curation. Allele origin: germline. Affected: no.
Comment: CFI p.Cys54Arg (c.160T>C) is a missense variant that changes the amino acid at residue 54 from Cysteine to Arginine. To our knowledge, this variant has not been reported in patients affected with CFI-related disorders in the published literature. At least one functional study has demonstrated a substantial alteration in protein function relative to the wild-type (PMID:32510551). It is absent or not present at a significant frequency in gnomAD. In silico models agree that this variant is possibly or probably damaging. In conclusion, we classify CFI p.Cys54Arg (c.160T>C) as a likely pathogenic, low penetrance variant.

Literature cited by the submitters: PubMed 32510551.